The following is an entry in ClinVar:

NM_030930.4(UNC93B1):c.133GAG[4] (p.Glu49del)

Genes: UNC93B1 (unc-93B1 regulator of TLR signaling; minus strand), LOC130006235 (ATAC-STARR-seq lymphoblastoid silent region 3653; plus strand). Cytogenetic location: 11q13.2.
Variant type: Microsatellite.
Coding change: c.133GAG[4] on transcript NM_030930.4 (MANE Select); four copies in a row of the 3-base unit GAG starting at c.133; the reference has five copies in a row; one copy, 3 bases deleted.
Protein change: p.Glu49del; deletes glutamic acid 49.
Molecular consequence: inframe deletion.
Genome position (GRCh38, 1-based): chr11:68,003,748-68,003,750, CTC deleted on the plus strand (GAG on the coding strand, the reverse complement: UNC93B1 is on the minus strand); deleting any 3 consecutive bases within chr11:68,003,748-68,003,762 gives the same sequence; the position shown is the placement nearest the transcript's 3' end. VCF-style (leftmost placement, unchanged base first): chr11-68003747-GCTC-G. GRCh37 (hg19) VCF-style: chr11-67771217-GCTC-G.
Other names: short protein forms E49del.
Identifiers: ClinVar variation 1046746 (VCV001046746.9), dbSNP rs767892224, ClinGen allele CA6145716.

ClinVar aggregate classification (germline): Uncertain significance (1 of 4 stars; one submission).

Conditions:
Encephalopathy, acute, infection-induced (herpes-specific), susceptibility to, 1. Also called: Herpes simplex encephalitis, susceptibility to, 1. Identifiers: Orphanet 1930, MedGen C2750180, MONDO:0024563, OMIM 610551.

Submission:

Labcorp Genetics (formerly Invitae), Labcorp
Classification: Uncertain significance for Encephalopathy, acute, infection-induced (herpes-specific), susceptibility to, 1. Last evaluated: 2022-08-19. Review status: criteria provided, single submitter. Criteria: Invitae Variant Classification Sherloc (09022015). Collection method: clinical testing. Allele origin: germline.
Comment: Experimental studies and prediction algorithms are not available or were not evaluated, and the functional significance of this variant is currently unknown. In summary, the available evidence is currently insufficient to determine the role of this variant in disease. Therefore, it has been classified as a Variant of Uncertain Significance. ClinVar contains an entry for this variant (Variation ID: 1046746). This variant has not been reported in the literature in individuals affected with UNC93B1-related conditions. The frequency data for this variant in the population databases is considered unreliable, as metrics indicate poor data quality at this position in the gnomAD database. This variant, c.145_147del, results in the deletion of 1 amino acid(s) of the UNC93B1 protein (p.Glu49del), but otherwise preserves the integrity of the reading frame.